The following is an entry in ClinVar:

NM_078480.3(PUF60):c.455T>A (p.Phe152Tyr)

Gene: PUF60 (poly(U) binding splicing factor 60; minus strand). Cytogenetic location: 8q24.3.
Variant type: single nucleotide variant.
Coding change: c.455T>A on transcript NM_078480.3 (MANE Select); coding-DNA position 455, T replaced by A.
Protein change: p.Phe152Tyr; replaces phenylalanine 152 with tyrosine.
Molecular consequence: missense variant.
Genome position (GRCh38, 1-based): chr8:143,818,428, A>T on the plus strand (T>A on the coding strand, the complement: PUF60 is on the minus strand). VCF-style: chr8-143818428-A-T. GRCh37 (hg19) VCF-style: chr8-144900598-A-T.
Other names: c.326T>A, p.Phe109Tyr (NM_001136033.3); c.401T>A, p.Phe134Tyr (NM_001271096.2); c.317T>A, p.Phe106Tyr (NM_001271097.2); c.452T>A, p.Phe151Tyr (NM_001271098.2); c.368T>A, p.Phe123Tyr (NM_001271099.2); c.275T>A, p.Phe92Tyr (NM_001271100.2); c.566T>A, p.Phe189Tyr (NM_001362895.2, NM_001362896.2); c.515T>A, p.Phe172Tyr (NM_001362897.2); and 1 more; short protein forms F106Y, F109Y, F123Y, F134Y, F135Y, F151Y, F152Y, F172Y.
Identifiers: ClinVar variation 4532739 (VCV004532739.1).

ClinVar aggregate classification (germline): Uncertain significance (1 of 4 stars; one submission).

gnomAD v4.1: 1 of 1,612,330 alleles (0.000062%); highest among the groups gnomAD compares: African/African-American, 0.0013%; no homozygotes.

Submission:

GeneDx
Classification: Uncertain significance. Last evaluated: 2025-05-30. Review status: criteria provided, single submitter. Criteria: GeneDx Variant Classification Process June 2021. Collection method: clinical testing. Allele origin: germline. Affected: yes.
Comment: Not observed at significant frequency in large population cohorts (gnomAD); In silico analysis supports that this missense variant has a deleterious effect on protein structure/function; Has not been previously published as pathogenic or benign to our knowledge